The following is an entry in ClinVar:

ClinVar aggregate classification (germline): Uncertain significance (1 of 4 stars; one submission).

Conditions:
Fanconi anemia (FA). Also called: Fanconi's anemia. Identifiers: Orphanet 84, MedGen C0015625, MeSH D005199, MONDO:0019391.

Allele frequency attached by ClinVar (database versions not stated): gnomAD exomes below 0.00001.
gnomAD v4.1: 5 of 1,612,550 alleles (0.00031%); highest among the groups gnomAD compares: Non-Finnish European, 0.00042%; no homozygotes.

Submission:

Labcorp Genetics (formerly Invitae), Labcorp
Classification: Uncertain significance for Fanconi anemia. Last evaluated: 2024-11-18. Review status: criteria provided, single submitter. Criteria: Invitae Variant Classification Sherloc (09022015). Collection method: clinical testing. Allele origin: germline.
Comment: This sequence change replaces glycine, which is neutral and non-polar, with aspartic acid, which is acidic and polar, at codon 741 of the SLX4 protein (p.Gly741Asp). This variant is not present in population databases (gnomAD no frequency). This variant has not been reported in the literature in individuals affected with SLX4-related conditions. ClinVar contains an entry for this variant (Variation ID: 2133009). An algorithm developed to predict the effect of missense changes on protein structure and function (PolyPhen-2) suggests that this variant is likely to be tolerated. In summary, the available evidence is currently insufficient to determine the role of this variant in disease. Therefore, it has been classified as a Variant of Uncertain Significance.

NM_032444.4(SLX4):c.2222G>A (p.Gly741Asp)

Gene: SLX4 (SLX4 structure-specific endonuclease subunit; minus strand). Cytogenetic location: 16p13.3.
Variant type: single nucleotide variant.
Coding change: c.2222G>A on transcript NM_032444.4 (MANE Select); coding-DNA position 2222, G replaced by A.
Protein change: p.Gly741Asp; replaces glycine 741 with aspartic acid.
Molecular consequence: missense variant.
Genome position (GRCh38, 1-based): chr16:3,592,804, C>T on the plus strand (G>A on the coding strand, the complement: SLX4 is on the minus strand). VCF-style: chr16-3592804-C-T. GRCh37 (hg19) VCF-style: chr16-3642805-C-T.
Other names: short protein forms G741D.
Identifiers: ClinVar variation 2133009 (VCV002133009.4), dbSNP rs2040608668, ClinGen allele CA394524990.